The following is an entry in ClinVar:

ClinVar aggregate classification (germline): Uncertain significance (1 of 4 stars; one submission).

Conditions:
Charcot-Marie-Tooth disease type 2. Also called: Charcot-Marie-Tooth type 2. Identifiers: Orphanet 64746, MedGen C0270914, MONDO:0018993.

gnomAD v4.1: 1 of 1,614,028 alleles (0.000062%); highest among the groups gnomAD compares: South Asian, 0.0011%; no homozygotes.

Submission:

Labcorp Genetics (formerly Invitae), Labcorp
Classification: Uncertain significance for Charcot-Marie-Tooth disease type 2. Last evaluated: 2021-08-28. Review status: criteria provided, single submitter. Criteria: Invitae Variant Classification Sherloc (09022015). Collection method: clinical testing. Allele origin: germline.
Comment: This variant is not present in population databases (ExAC no frequency). This sequence change replaces histidine with asparagine at codon 839 of the KIF1B protein (p.His839Asn). The histidine residue is moderately conserved and there is a small physicochemical difference between histidine and asparagine. This variant has not been reported in the literature in individuals affected with KIF1B-related conditions. Algorithms developed to predict the effect of missense changes on protein structure and function are either unavailable or do not agree on the potential impact of this missense change (SIFT: "Deleterious"; PolyPhen-2: "Probably Damaging"; Align-GVGD: "Class C0"). In summary, the available evidence is currently insufficient to determine the role of this variant in disease. Therefore, it has been classified as a Variant of Uncertain Significance.

NM_001365951.3(KIF1B):c.2653C>A (p.His885Asn)

Gene: KIF1B (kinesin family member 1B; plus strand). Cytogenetic location: 1p36.22.
Variant type: single nucleotide variant.
Coding change: c.2653C>A on transcript NM_001365951.3 (MANE Select); coding-DNA position 2653, C replaced by A.
Protein change: p.His885Asn; replaces histidine 885 with asparagine.
Molecular consequence: missense variant.
Genome position (GRCh38, 1-based): chr1:10,324,873, C>A. VCF-style: chr1-10324873-C-A. GRCh37 (hg19) VCF-style: chr1-10384931-C-A.
Other names: c.2653C>A, p.His885Asn (NM_001365952.1); c.2515C>A, p.His839Asn (NM_015074.3); short protein forms H839N, H885N.
Identifiers: ClinVar variation 1378272 (VCV001378272.6), dbSNP rs1483652105, ClinGen allele CA338335803.